The following is an entry in ClinVar:

ClinVar aggregate classification (germline): Uncertain significance (1 of 4 stars; one submission).

Submission:

GeneDx
Classification: Uncertain significance. Last evaluated: 2023-05-29. Review status: criteria provided, single submitter. Criteria: GeneDx Variant Classification Process June 2021. Collection method: clinical testing. Allele origin: germline. Affected: yes.
Comment: Not observed at significant frequency in large population cohorts (gnomAD); In silico analysis supports that this missense variant has a deleterious effect on protein structure/function; Has not been previously published as pathogenic or benign to our knowledge

NM_006445.4(PRPF8):c.3857A>T (p.Asp1286Val)

Gene: PRPF8 (pre-mRNA processing factor 8; minus strand). Cytogenetic location: 17p13.3.
Variant type: single nucleotide variant.
Coding change: c.3857A>T on transcript NM_006445.4 (MANE Select); coding-DNA position 3857, A replaced by T.
Protein change: p.Asp1286Val; replaces aspartic acid 1286 with valine.
Molecular consequence: missense variant.
Genome position (GRCh38, 1-based): chr17:1,662,071, T>A on the plus strand (A>T on the coding strand, the complement: PRPF8 is on the minus strand). VCF-style: chr17-1662071-T-A. GRCh37 (hg19) VCF-style: chr17-1565365-T-A.
Other names: short protein forms D1286V.
Identifiers: ClinVar variation 3343812 (VCV003343812.1).